The following is an entry in ClinVar:

ClinVar aggregate classification (germline): Uncertain significance (1 of 4 stars; one submission).

Submission:

Labcorp Genetics (formerly Invitae), Labcorp
Classification: Uncertain significance. Last evaluated: 2022-08-16. Review status: criteria provided, single submitter. Criteria: Invitae Variant Classification Sherloc (09022015). Collection method: clinical testing. Allele origin: germline.
Comment: In summary, the available evidence is currently insufficient to determine the role of this variant in disease. Therefore, it has been classified as a Variant of Uncertain Significance. Algorithms developed to predict the effect of missense changes on protein structure and function are either unavailable or do not agree on the potential impact of this missense change (SIFT: "Not Available"; PolyPhen-2: "Probably Damaging"; Align-GVGD: "Not Available"). ClinVar contains an entry for this variant (Variation ID: 1004359). This variant has not been reported in the literature in individuals affected with CDH3-related conditions. This variant is not present in population databases (gnomAD no frequency). This sequence change replaces lysine, which is basic and polar, with asparagine, which is neutral and polar, at codon 140 of the CDH3 protein (p.Lys140Asn).

NM_001793.6(CDH3):c.420G>C (p.Lys140Asn)

Gene: CDH3 (cadherin 3; plus strand). Cytogenetic location: 16q22.1.
Variant type: single nucleotide variant.
Coding change: c.420G>C on transcript NM_001793.6 (MANE Select); coding-DNA position 420, G replaced by C.
Protein change: p.Lys140Asn; replaces lysine 140 with asparagine.
Molecular consequence: missense variant.
Genome position (GRCh38, 1-based): chr16:68,678,530, G>C. VCF-style: chr16-68678530-G-C. GRCh37 (hg19) VCF-style: chr16-68712433-G-C.
Other names: c.420G>C, p.Lys140Asn (NM_001317195.3); c.255G>C, p.Lys85Asn (NM_001317196.2); short protein forms K140N, K85N.
Identifiers: ClinVar variation 1004359 (VCV001004359.8), dbSNP rs1961101527, ClinGen allele CA396448920.